The following is an entry in ClinVar:

NM_003742.4(ABCB11):c.3875G>T (p.Gly1292Val)

Gene: ABCB11 (ATP binding cassette subfamily B member 11; minus strand). Cytogenetic location: 2q31.1.
Variant type: single nucleotide variant.
Coding change: c.3875G>T on transcript NM_003742.4 (MANE Select); coding-DNA position 3875, G replaced by T.
Protein change: p.Gly1292Val; replaces glycine 1292 with valine.
Molecular consequence: missense variant.
Genome position (GRCh38, 1-based): chr2:168,923,713, C>A on the plus strand (G>T on the coding strand, the complement: ABCB11 is on the minus strand). VCF-style: chr2-168923713-C-A. GRCh37 (hg19) VCF-style: chr2-169780223-C-A.
Other names: c.3875G>T, p.Gly1292Val (LRG_1199t1); short protein forms G1292V.
Identifiers: ClinVar variation 498152 (VCV000498152.6), dbSNP rs1553543921, ClinGen allele CA349117070.

ClinVar aggregate classification (germline): Uncertain significance. Review status: criteria provided, multiple submitters, no conflicts (2 of 4 stars). 2 submissions from 2 submitters: Uncertain significance (2). Last evaluated 2026-04-14.

Conditions:
Familial intrahepatic cholestasis. Identifiers: Orphanet 284385, MedGen CN296401, MONDO:0017290.

Submissions (2):

Genomenon, Inc
Classification: Uncertain significance for Familial intrahepatic cholestasis. Last evaluated: 2026-04-14. Review status: criteria provided, single submitter. Criteria: Genomenon Sequence Variant Interpretation Standards - Updated. Collection method: curation. Allele origin: germline. Affected: yes.
Comment: ABCB11 p.Gly1292Val (c.3875G>T) is a missense variant that changes the amino acid at residue 1292 from Glycine to Valine. This variant has been observed in at least one proband with an ABCB11-related disorder (PMID:19845854). It has been observed in trans with a pathogenic or likely pathogenic variant (PMID:19845854). It is absent or not present at a significant frequency in gnomAD. In silico models predict that this variant is possibly or probably damaging. In conclusion, we classify ABCB11 p.Gly1292Val (c.3875G>T) as a variant of uncertain significance.

Eurofins Ntd Llc (ga)
Classification: Uncertain significance. Last evaluated: 2016-10-24. Review status: criteria provided, single submitter. Criteria: EGL Classification Definitions 2015. Collection method: clinical testing. Allele origin: germline. Observed: 1 variant allele, 1 homozygote.

Literature cited by the submitters: PubMed 19845854 (cited by Genomenon, Inc and Eurofins Ntd Llc (ga)).